The following is an entry in ClinVar:

ClinVar aggregate classification (germline): Uncertain significance (1 of 4 stars; one submission).

Conditions:
F10-related disorder. Also called: F10-related condition.

Submission:

PreventionGenetics, part of Exact Sciences
Classification: Uncertain significance for F10-related condition. Last evaluated: 2025-03-31. Review status: criteria provided, single submitter. Criteria: ACMG Guidelines, 2015. Collection method: clinical testing. Allele origin: germline.
Comment: The F10 c.515G>A variant is predicted to result in the amino acid substitution p.Cys172Tyr. To our knowledge, this variant has not been reported in the literature or in a large population database (gnomAD), indicating this variant is rare. At this time, the clinical significance of this variant is uncertain due to the absence of conclusive functional and genetic evidence.

NM_000504.4(F10):c.515G>A (p.Cys172Tyr)

Genes: F10 (coagulation factor X; plus strand), F10-AS2 (F10 antisense RNA 2; minus strand). Cytogenetic location: 13q34.
Variant type: single nucleotide variant.
Coding change: c.515G>A on transcript NM_000504.4 (MANE Select); coding-DNA position 515, G replaced by A.
Protein change: p.Cys172Tyr; replaces cysteine 172 with tyrosine.
Molecular consequence: missense variant.
Genome position (GRCh38, 1-based): chr13:113,143,863, G>A. VCF-style: chr13-113143863-G-A. GRCh37 (hg19) VCF-style: chr13-113798177-G-A.
Other names: c.383G>A, p.Cys128Tyr (NM_001312674.2); c.515G>A, p.Cys172Tyr (NM_001312675.2); short protein forms C128Y, C172Y.
Identifiers: ClinVar variation 4998106 (VCV004998106.1).